The following is an entry in ClinVar:

NM_006070.6(TFG):c.962C>G (p.Ala321Gly)

Gene: TFG (trafficking from ER to golgi regulator; plus strand). Cytogenetic location: 3q12.2.
Variant type: single nucleotide variant.
Coding change: c.962C>G on transcript NM_006070.6 (MANE Select); coding-DNA position 962, C replaced by G.
Protein change: p.Ala321Gly; replaces alanine 321 with glycine.
Molecular consequence: missense variant.
Genome position (GRCh38, 1-based): chr3:100,748,290, C>G. VCF-style: chr3-100748290-C-G. GRCh37 (hg19) VCF-style: chr3-100467134-C-G.
Other names: c.962C>G, p.Ala321Gly (NM_001007565.2, NM_001195478.2); c.950C>G, p.Ala317Gly (NM_001195479.2); short protein forms A317G, A321G.
Identifiers: ClinVar variation 2066348 (VCV002066348.4), dbSNP rs143129431, ClinGen allele CA2517233.

ClinVar aggregate classification (germline): Uncertain significance (1 of 4 stars; one submission).

Conditions:
Hereditary motor and sensory neuropathy, Okinawa type (HMSNO). Also called: HEREDITARY MOTOR AND SENSORY NEUROPATHY, PROXIMAL TYPE. Identifiers: Orphanet 90117, MedGen C1858338, MONDO:0011468, OMIM 604484.
Hereditary spastic paraplegia 57. Also called: Spastic paraplegia 57, autosomal recessive. Identifiers: Orphanet 431329, MedGen C3714897, MONDO:0014295, OMIM 615658.

Allele frequency attached by ClinVar (database versions not stated): ExAC 0.00001; gnomAD 0.00001; 1000 Genomes Project 30x 0.00016; 1000 Genomes Project 0.00020.
gnomAD v4.1: 1 of 1,614,052 alleles (0.000062%); highest among the groups gnomAD compares: Non-Finnish European, 0.000085%; no homozygotes.

Submission:

Labcorp Genetics (formerly Invitae), Labcorp
Classification: Uncertain significance for Hereditary motor and sensory neuropathy, Okinawa type; Hereditary spastic paraplegia 57. Last evaluated: 2022-05-04. Review status: criteria provided, single submitter. Criteria: Invitae Variant Classification Sherloc (09022015). Collection method: clinical testing. Allele origin: germline.
Comment: In summary, the available evidence is currently insufficient to determine the role of this variant in disease. Therefore, it has been classified as a Variant of Uncertain Significance. Algorithms developed to predict the effect of missense changes on protein structure and function are either unavailable or do not agree on the potential impact of this missense change (SIFT: "Tolerated"; PolyPhen-2: "Possibly Damaging"; Align-GVGD: "Class C0"). This variant has not been reported in the literature in individuals affected with TFG-related conditions. This variant is present in population databases (rs143129431, gnomAD 0.0009%). This sequence change replaces alanine, which is neutral and non-polar, with glycine, which is neutral and non-polar, at codon 321 of the TFG protein (p.Ala321Gly).